The following is an entry in ClinVar:

NM_004408.4(DNM1):c.1781+4C>T

Gene: DNM1 (dynamin 1; plus strand). Cytogenetic location: 9q34.11.
Variant type: single nucleotide variant.
Coding change: c.1781+4C>T on transcript NM_004408.4 (MANE Select); 4 bases into the intron after coding-DNA position 1781, C replaced by T.
Molecular consequence: intron variant.
Genome position (GRCh38, 1-based): chr9:128,246,507, C>T. VCF-style: chr9-128246507-C-T. GRCh37 (hg19) VCF-style: chr9-131008786-C-T.
Other names: c.1781+4C>T (NM_001005336.3, NM_001374269.1, NM_001288738.2 and 2 more transcripts).
Identifiers: ClinVar variation 3241999 (VCV003241999.1), dbSNP rs763794084.

ClinVar aggregate classification (germline): Uncertain significance (1 of 4 stars; one submission).

Conditions:
Developmental and epileptic encephalopathy, 31A. Also called: Epileptic encephalopathy, early infantile, 31; Developmental and epileptic encephalopathy, 31. Identifiers: Orphanet 2382, MedGen C4225357, MONDO:0014598, OMIM 616346.

gnomAD v4.1: 6 of 1,608,840 alleles (0.00037%); highest among the groups gnomAD compares: Non-Finnish European, 0.00034%; no homozygotes.

Submission:

Neuberg Centre For Genomic Medicine, NCGM
Classification: Uncertain significance for Developmental and epileptic encephalopathy, 31A. Review status: criteria provided, single submitter. Criteria: ACMG Guidelines, 2015. Collection method: clinical testing. Allele origin: germline. Inheritance: Autosomal dominant inheritance. Affected: yes.
Comment: The observed splice region / intronic c.1781+4C>T variant in DNM1 gene has not been reported previously as a pathogenic variant nor as a benign variant, to our knowledge. This variant is absent in gnomAD Exomes. This splice region variant in intron 16 affects the position six nucleotides downstream of exon 15. For these reasons, this variant has been classified as Uncertain Significance.